The following is an entry in ClinVar:

NM_001128178.3(NPHP1):c.560A>G (p.Asp187Gly)

Gene: NPHP1 (nephrocystin 1; minus strand). Cytogenetic location: 2q13.
Variant type: single nucleotide variant.
Coding change: c.560A>G on transcript NM_001128178.3 (MANE Select); coding-DNA position 560, A replaced by G.
Protein change: p.Asp187Gly; replaces aspartic acid 187 with glycine.
Molecular consequence: missense variant.
Genome position (GRCh38, 1-based): chr2:110,168,516, T>C on the plus strand (A>G on the coding strand, the complement: NPHP1 is on the minus strand). VCF-style: chr2-110168516-T-C. GRCh37 (hg19) VCF-style: chr2-110926093-T-C.
Other names: c.560A>G, p.Asp187Gly (NM_000272.5, NM_001374256.1, NM_001374257.1 and 1 more transcripts); c.374A>G, p.Asp125Gly (NM_001128179.3); c.560A>G (NM_000272.4); short protein forms D125G, D187G.
Identifiers: ClinVar variation 1979159 (VCV001979159.3), dbSNP rs751001238, ClinGen allele CA1827354.

ClinVar aggregate classification (germline): Uncertain significance. Review status: criteria provided, multiple submitters, no conflicts (2 of 4 stars). 2 submissions from 2 submitters: Uncertain significance (2). Last evaluated 2024-05-12.

Conditions:
Joubert syndrome with renal defect. Also called: JOUBERT SYNDROME 4. Identifiers: Orphanet 220497, MedGen C1846790, MONDO:0012308, OMIM 609583.
Nephronophthisis 1 (NPHP1). Also called: Nephronophthisis familial juvenile. Identifiers: Orphanet 655, Orphanet 93592, MedGen C1855681, MONDO:0009728, OMIM 256100.
Senior-Loken syndrome 1 (SLSN1). Also called: JUVENILE NEPHRONOPHTHISIS WITH LEBER AMAUROSIS. Identifiers: Orphanet 3156, MedGen C4551559, MONDO:0009962, OMIM 266900.
Nephronophthisis. Also called: Juvenile Nephronophthisis. Identifiers: Orphanet 655, MedGen C0687120, MONDO:0019005, HP:0000090.

Allele frequency attached by ClinVar (database versions not stated): gnomAD exomes below 0.00001; ExAC 0.00001; TOPMed 0.00002.
gnomAD v4.1: 6 of 1,613,144 alleles (0.00037%); highest among the groups gnomAD compares: African/African-American, 0.0053%; no homozygotes.

Submissions (2):

Fulgent Genetics
Classification: Uncertain significance for Nephronophthisis 1; Senior-Loken syndrome 1; Joubert syndrome with renal defect. Last evaluated: 2024-05-12. Review status: criteria provided, single submitter. Criteria: ACMG Guidelines, 2015. Collection method: clinical testing. Allele origin: germline.

Labcorp Genetics (formerly Invitae), Labcorp
Classification: Uncertain significance for Nephronophthisis. Last evaluated: 2022-05-21. Review status: criteria provided, single submitter. Criteria: Invitae Variant Classification Sherloc (09022015). Collection method: clinical testing. Allele origin: germline.
Comment: In summary, the available evidence is currently insufficient to determine the role of this variant in disease. Therefore, it has been classified as a Variant of Uncertain Significance. Algorithms developed to predict the effect of missense changes on protein structure and function are either unavailable or do not agree on the potential impact of this missense change (SIFT: "Deleterious"; PolyPhen-2: "Probably Damaging"; Align-GVGD: "Class C0"). This variant has not been reported in the literature in individuals affected with NPHP1-related conditions. This variant is present in population databases (rs751001238, gnomAD 0.02%). This sequence change replaces aspartic acid, which is acidic and polar, with glycine, which is neutral and non-polar, at codon 187 of the NPHP1 protein (p.Asp187Gly).